The following is an entry in ClinVar:

NM_001042492.3(NF1):c.2734C>T (p.Gln912Ter)

Gene: NF1 (neurofibromin 1; plus strand). Cytogenetic location: 17q11.2.
Variant type: single nucleotide variant.
Coding change: c.2734C>T on transcript NM_001042492.3 (MANE Select); coding-DNA position 2734, C replaced by T.
Protein change: p.Gln912Ter; replaces glutamine 912 with a stop codon.
Molecular consequence: nonsense.
Genome position (GRCh38, 1-based): chr17:31,229,349, C>T. VCF-style: chr17-31229349-C-T. GRCh37 (hg19) VCF-style: chr17-29556367-C-T.
Other names: c.2734C>T, p.Gln912Ter (NM_000267.4); short protein forms Q912*.
Identifiers: ClinVar variation 654419 (VCV000654419.11), dbSNP rs1597715673, ClinGen allele CA398985231.
Genomic context (GRCh38, chr17:31,229,349, plus strand): 5'-AGCAAATTTATGGATCGGCTGTTGTCCTTAATGGTGTGTAACCATGAGAAAGTGGGACTT[C>T]AAATACGGACCAATGTTAAGGATCTGGTGGGTCTAGAATTGAGTCCTGCTCTGTATCCAA-3'

ClinVar aggregate classification (germline): Pathogenic. Review status: criteria provided, multiple submitters, no conflicts (2 of 4 stars). 3 submissions from 3 submitters: Pathogenic (3). Last evaluated 2022-09-06.

Conditions:
Cardiovascular phenotype. Identifiers: MedGen CN230736.
Hereditary cancer-predisposing syndrome. Also called: Neoplastic Syndromes, Hereditary; Hereditary neoplastic syndrome; Hereditary Cancer Syndrome; Tumor predisposition. Identifiers: Orphanet 140162, MedGen C0027672, MeSH D009386, MONDO:0015356.
Neurofibromatosis, type 1 (NF1). Also called: VON RECKLINGHAUSEN DISEASE; NEUROFIBROMATOSIS, TYPE I, SOMATIC; Peripheral type neurofibromatosis; Neurofibromatosis, type I. Identifiers: Orphanet 636, MedGen C0027831, MONDO:0018975, OMIM 162200. Disease mechanism: loss of function.

Submissions (3):

Labcorp Genetics (formerly Invitae), Labcorp
Classification: Pathogenic for Neurofibromatosis, type 1. Last evaluated: 2022-09-06. Review status: criteria provided, single submitter. Criteria: Invitae Variant Classification Sherloc (09022015). Collection method: clinical testing. Allele origin: germline.
Comment: For these reasons, this variant has been classified as Pathogenic. ClinVar contains an entry for this variant (Variation ID: 654419). This premature translational stop signal has been observed in individual(s) with NF1-related conditions (PMID: 21520333, 34489640). This variant is not present in population databases (gnomAD no frequency). This sequence change creates a premature translational stop signal (p.Gln912*) in the NF1 gene. It is expected to result in an absent or disrupted protein product. Loss-of-function variants in NF1 are known to be pathogenic (PMID: 10712197, 23913538).

Genome-Nilou Lab
Classification: Pathogenic for Neurofibromatosis, type 1. Last evaluated: 2022-03-15. Review status: criteria provided, single submitter. Criteria: ACMG Guidelines, 2015. Collection method: clinical testing. Allele origin: germline. Affected: no.

Ambry Genetics
Classification: Pathogenic for Cardiovascular phenotype; Hereditary cancer-predisposing syndrome. Last evaluated: 2018-06-21. Review status: criteria provided, single submitter. Criteria: Ambry Variant Classification Scheme 2023. Collection method: clinical testing. Allele origin: germline.
Comment: The p.Q912* pathogenic mutation (also known as c.2734C>T), located in coding exon 21 of the NF1 gene, results from a C to T substitution at nucleotide position 2734. This changes the amino acid from a glutamine to a stop codon within coding exon 21. This alteration is expected to result in loss of function by premature protein truncation or nonsense-mediated mRNA decay. As such, this alteration is interpreted as a disease-causing mutation.

Literature cited by the submitters: PubMed 21520333 (cited by Labcorp Genetics (formerly Invitae), Labcorp); PubMed 34489640 (cited by Labcorp Genetics (formerly Invitae), Labcorp); PubMed 10712197 (cited by Labcorp Genetics (formerly Invitae), Labcorp); PubMed 23913538 (cited by Labcorp Genetics (formerly Invitae), Labcorp).